The following is an entry in ClinVar:

NM_005431.2(XRCC2):c.574T>C (p.Phe192Leu)

Gene: XRCC2 (X-ray repair cross complementing 2; minus strand). Cytogenetic location: 7q36.1.
Variant type: single nucleotide variant.
Coding change: c.574T>C on transcript NM_005431.2 (MANE Select); coding-DNA position 574, T replaced by C.
Protein change: p.Phe192Leu; replaces phenylalanine 192 with leucine.
Molecular consequence: missense variant.
Genome position (GRCh38, 1-based): chr7:152,648,911, A>G on the plus strand (T>C on the coding strand, the complement: XRCC2 is on the minus strand). VCF-style: chr7-152648911-A-G. GRCh37 (hg19) VCF-style: chr7-152345996-A-G.
Other names: short protein forms F192L.
Identifiers: ClinVar variation 584726 (VCV000584726.4), dbSNP rs1563026024, ClinGen allele CA370198400.

ClinVar aggregate classification (germline): Uncertain significance. Review status: criteria provided, multiple submitters, no conflicts (2 of 4 stars). 2 submissions from 2 submitters: Uncertain significance (2). Last evaluated 2018-07-02.

Conditions:
Hereditary cancer-predisposing syndrome. Also called: Neoplastic Syndromes, Hereditary; Hereditary Cancer Syndrome; Tumor predisposition; Hereditary neoplastic syndrome. Identifiers: Orphanet 140162, MedGen C0027672, MeSH D009386, MONDO:0015356.

Submissions (2):

Mendelics
Classification: Uncertain significance for Hereditary Cancer Syndrome. Last evaluated: 2018-07-02. Review status: criteria provided, single submitter. Criteria: Mendelics Assertion Criteria 2017. Collection method: clinical testing. Allele origin: unknown.

Ambry Genetics
Classification: Uncertain significance for Hereditary cancer-predisposing syndrome. Last evaluated: 2017-04-24. Review status: criteria provided, single submitter. Criteria: Ambry Variant Classification Scheme 2023. Collection method: clinical testing. Allele origin: germline.
Comment: The p.F192L variant (also known as c.574T>C), located in coding exon 3 of the XRCC2 gene, results from a T to C substitution at nucleotide position 574. The phenylalanine at codon 192 is replaced by leucine, an amino acid with highly similar properties. This amino acid position is well conserved in available vertebrate species. In addition, this alteration is predicted to be tolerated by in silico analysis. Since supporting evidence is limited at this time, the clinical significance of this alteration remains unclear.